The following is an entry in ClinVar:

NM_006363.6(SEC23B):c.1405-7C>T

Gene: SEC23B (SEC23 homolog B, COPII component; plus strand). Cytogenetic location: 20p11.23.
Variant type: single nucleotide variant.
Coding change: c.1405-7C>T on transcript NM_006363.6 (MANE Select); 7 bases into the intron before coding-DNA position 1405, C replaced by T.
Molecular consequence: intron variant.
Genome position (GRCh38, 1-based): chr20:18,542,289, C>T. VCF-style: chr20-18542289-C-T. GRCh37 (hg19) VCF-style: chr20-18522933-C-T.
Other names: p.?; c.1405-7C>T (NM_032986.5, NM_001172745.3, NM_032985.6); c.1351-7C>T (NM_001172746.3).
Identifiers: ClinVar variation 95381 (VCV000095381.35), dbSNP rs2273525, ClinGen allele CA148499.
Genomic context (GRCh38, chr20:18,542,289, plus strand): 5'-AGTGGGCTCTGTGACCGTGTTTGAGTTGCGCCTATAACAGACAAGGTTATGGCCTCTCAT[C>T]CTACAGCACAACACCCCGATCCCCCAAGGAGGCAGAGGAGCCATCCAGTTTGTCACGCAT-3'

ClinVar aggregate classification (germline): Benign. Review status: criteria provided, multiple submitters, no conflicts (2 of 4 stars). 9 submissions from 9 submitters: Benign (9). Last evaluated 2026-06-30.

Conditions:
Congenital dyserythropoietic anemia, type II (CDAN2). Also called: DYSERYTHROPOIETIC ANEMIA, HEMPAS TYPE. Identifiers: Orphanet 98873, MedGen C1306589, MONDO:0009134, OMIM 224100.
Cowden syndrome 7 (CWS7). Identifiers: Orphanet 201, MedGen C4225179, MONDO:0014802, OMIM 616858.

Allele frequency attached by ClinVar (database versions not stated): 1000 Genomes Project 0.14976; ESP Exome Variant Server 0.07950; gnomAD 0.09089 and 0.09653; 1000 Genomes Project 30x 0.14710; TOPMed 0.10149.
gnomAD v4.1: 138,612 of 1,613,372 alleles (8.6%); highest among the groups gnomAD compares: East Asian, 32%; 8,525 homozygotes.

Submissions (9):

Women's Health and Genetics/Laboratory Corporation of America, LabCorp
Classification: Benign. Last evaluated: 2026-06-30. Review status: criteria provided, single submitter. Criteria: LabCorp Variant Classification Summary - May 2015. Collection method: clinical testing. Allele origin: germline.

Labcorp Genetics (formerly Invitae), Labcorp
Classification: Benign for Congenital dyserythropoietic anemia, type II; Cowden syndrome 7. Last evaluated: 2026-02-04. Review status: criteria provided, single submitter. Criteria: Invitae Variant Classification Sherloc (09022015). Collection method: clinical testing. Allele origin: germline.

ARUP Laboratories, Molecular Genetics and Genomics, ARUP Laboratories
Classification: Benign. Last evaluated: 2025-07-28. Review status: criteria provided, single submitter. Criteria: ARUP Molecular Germline Variant Investigation Process 2024. Collection method: clinical testing. Allele origin: germline.

Mayo Clinic Laboratories, Mayo Clinic
Classification: Benign. Last evaluated: 2022-09-06. Review status: criteria provided, single submitter. Criteria: ACMG Guidelines, 2015. Collection method: clinical testing. Allele origin: germline. Observed: 425 variant alleles.

GeneDx
Classification: Benign. Last evaluated: 2018-06-14. Review status: criteria provided, single submitter. Criteria: GeneDx Variant Classification (06012015). Collection method: clinical testing. Allele origin: germline. Affected: yes.
Comment: This variant is considered likely benign or benign based on one or more of the following criteria: it is a conservative change, it occurs at a poorly conserved position in the protein, it is predicted to be benign by multiple in silico algorithms, and/or has population frequency not consistent with disease.

Illumina Laboratory Services, Illumina
Classification: Benign for Congenital dyserythropoietic anemia, type II. Last evaluated: 2018-01-13. Review status: criteria provided, single submitter. Criteria: ICSL Variant Classification Criteria 13 December 2019. Collection method: clinical testing. Allele origin: germline.
Comment: This variant was observed in the ICSL laboratory as part of a predisposition screen in an ostensibly healthy population. It had not been previously curated by ICSL or reported in the Human Gene Mutation Database (HGMD: prior to June 1st, 2018), and was therefore a candidate for classification through an automated scoring system. Utilizing variant allele frequency, disease prevalence and penetrance estimates, and inheritance mode, an automated score was calculated to assess if this variant is too frequent to cause the disease. Based on the score and internal cut-off values, a variant classified as benign is not then subjected to further curation. The score for this variant resulted in a classification of benign for this disease.

Eurofins Ntd Llc (ga)
Classification: Benign. Last evaluated: 2013-11-14. Review status: criteria provided, single submitter. Criteria: EGL Classification Definitions 2015. Collection method: clinical testing. Allele origin: germline. Observed: 6 variant alleles, 5 heterozygotes, 1 homozygote.

Breakthrough Genomics
Classification: Benign. Review status: criteria provided, single submitter. Criteria: ACMG Guidelines, 2015. Collection method: not provided. Allele origin: germline. Inheritance: Autosomal recessive inheritance. Affected: yes.

PreventionGenetics, part of Exact Sciences
Classification: Benign. Review status: criteria provided, single submitter. Criteria: ACMG Guidelines, 2015. Collection method: clinical testing. Allele origin: germline.